The following is an entry in ClinVar:

ClinVar aggregate classification (germline): Pathogenic/Likely pathogenic. Review status: criteria provided, multiple submitters, no conflicts (2 of 4 stars). 3 submissions from 3 submitters: Pathogenic (2); Likely pathogenic (1). Last evaluated 2025-07-06.

Conditions:
Long QT syndrome 1 (LQT1). Identifiers: Orphanet 101016, Orphanet 768, MedGen C4551647, MONDO:0100316, OMIM 192500, MONDO:0008646.
Atrial fibrillation, familial, 3 (ATFB3). Identifiers: MedGen C1837014, MONDO:0011857, OMIM 607554.
Jervell and Lange-Nielsen syndrome 1 (JLNS1). Also called: PROLONGED QT INTERVAL IN EKG AND SUDDEN DEATH; SURDO-CARDIAC SYNDROME; DEAFNESS, CONGENITAL, AND FUNCTIONAL HEART DISEASE; CARDIOAUDITORY SYNDROME OF JERVELL AND LANGE-NIELSEN. Identifiers: Orphanet 768, Orphanet 90647, MedGen C4551509, MONDO:0024540, OMIM 220400.
Short QT syndrome type 2. Identifiers: Orphanet 51083, MedGen C1865019, MONDO:0012313, OMIM 609621.
Long QT syndrome (LQTS). Identifiers: MedGen C0023976, MeSH D008133, MONDO:0002442. Disease mechanism: loss of function. Inheritance: Various modes of inheritance.

Submissions (3):

Labcorp Genetics (formerly Invitae), Labcorp
Classification: Pathogenic for Long QT syndrome. Last evaluated: 2025-07-06. Review status: criteria provided, single submitter. Criteria: Invitae Variant Classification Sherloc (09022015). Collection method: clinical testing. Allele origin: germline.
Comment: This sequence change creates a premature translational stop signal (p.Arg259Profs*6) in the KCNQ1 gene. It is expected to result in an absent or disrupted protein product. Loss-of-function variants in KCNQ1 are known to be pathogenic (PMID: 9323054, 19862833). This variant is not present in population databases (gnomAD no frequency). This premature translational stop signal has been observed in individual(s) with clinical features of KCNQ1-related conditions (PMID: 19716085). This variant is also known as 776_780dupCCACC. ClinVar contains an entry for this variant (Variation ID: 1452627). For these reasons, this variant has been classified as Pathogenic.

GeneDx
Classification: Pathogenic. Last evaluated: 2024-07-07. Review status: criteria provided, single submitter. Criteria: GeneDx Variant Classification Process June 2021. Collection method: clinical testing. Allele origin: germline. Affected: yes.
Comment: Frameshift variant predicted to result in protein truncation or nonsense mediated decay in a gene for which loss of function is a known mechanism of disease; Not observed at significant frequency in large population cohorts (gnomAD); This variant is associated with the following publications: (PMID: 19862833, 9323054, 19716085)

Division Of Personalized Genomic Medicine, Columbia University Irving Medical Center
Classification: Likely pathogenic for Atrial fibrillation, familial, 3; Jervell and Lange-Nielsen syndrome 1; Long QT syndrome 1; Short QT syndrome type 2. Last evaluated: 2021-11-01. Review status: criteria provided, single submitter. Criteria: ACMG Guidelines, 2015. Collection method: clinical testing. Allele origin: germline. Inheritance: Autosomal dominant inheritance. Observed: 1 heterozygote.
Comment: This variant is a 5 base pair duplication at nucleotides c.771_775 in exon 5 of 16 of the KCNQ1 gene, resulting in the_x000D_substitution of the arginine at amino acid position 259 to a proline and a reading frame shift causing premature _x000D_termination of translation six amino acid residues downstream (p.Arg259Profs*6). This variant is expected to result in _x000D_nonsense mediated decay. Loss-of-function variants in KCNQ1 have been established to be pathogenic (PMID:_x000D_19862833). Several loss-of-function variants downstream to this variant have been reported in the literature and in the_x000D_ ClinVar database as pathogenic. This variant is absent in the Genome Aggregation Database (gnomAD), indicating it is_x000D_ not a common benign variant in the populations represented in this database. To the best of our knowledge,_x000D_this exact variant has not been described to be disease associated in literature.

Literature cited by the submitters: PubMed 9323054 (cited by Labcorp Genetics (formerly Invitae), Labcorp); PubMed 19862833 (cited by Labcorp Genetics (formerly Invitae), Labcorp); PubMed 19716085 (cited by Labcorp Genetics (formerly Invitae), Labcorp).

NM_000218.3(KCNQ1):c.771_775dup (p.Arg259fs)

Gene: KCNQ1 (potassium voltage-gated channel subfamily Q member 1; plus strand). Cytogenetic location: 11p15.5.
Variant type: Duplication.
Coding change: c.771_775dup on transcript NM_000218.3 (MANE Select); coding-DNA positions 771 to 775, 5 bases duplicated (CCACC; older notation c.771_775dupCCACC).
Protein change: p.Arg259fs; shifts the reading frame from arginine 259.
Molecular consequence: frameshift variant.
Genome position (GRCh38, 1-based): chr11:2,572,100-2,572,104, CCACC duplicated. VCF-style (leftmost placement, unchanged base first): chr11-2572099-T-TCCACC. GRCh37 (hg19) VCF-style: chr11-2593329-T-TCCACC.
Other names: c.771_775dup, p.Arg259Profs (NM_001406836.1); c.501_505dup, p.Arg169Profs (NM_001406837.1); c.390_394dup, p.Arg132Profs (NM_181798.2); short protein forms R132fs, R259fs.
Identifiers: ClinVar variation 1452627 (VCV001452627.13), dbSNP rs2133730742, ClinGen allele CA2573146074.